The following is an entry in ClinVar:

ClinVar aggregate classification (germline): Uncertain significance (1 of 4 stars; one submission).

Conditions:
Glycogen storage disease IXc (GSD9C). Also called: GSD IXc. Identifiers: Orphanet 264580, MedGen C2751643, MONDO:0013091, OMIM 613027.

Submission:

Labcorp Genetics (formerly Invitae), Labcorp
Classification: Uncertain significance for Glycogen storage disease IXc. Last evaluated: 2023-02-08. Review status: criteria provided, single submitter. Criteria: Invitae Variant Classification Sherloc (09022015). Collection method: clinical testing. Allele origin: germline.
Comment: This sequence change replaces valine, which is neutral and non-polar, with aspartic acid, which is acidic and polar, at codon 38 of the PHKG2 protein (p.Val38Asp). This variant is not present in population databases (gnomAD no frequency). This variant has not been reported in the literature in individuals affected with PHKG2-related conditions. Advanced modeling of protein sequence and biophysical properties (such as structural, functional, and spatial information, amino acid conservation, physicochemical variation, residue mobility, and thermodynamic stability) performed at Invitae indicates that this missense variant is expected to disrupt PHKG2 protein function. In summary, the available evidence is currently insufficient to determine the role of this variant in disease. Therefore, it has been classified as a Variant of Uncertain Significance.

NM_000294.3(PHKG2):c.113T>A (p.Val38Asp)

Gene: PHKG2 (phosphorylase kinase catalytic subunit gamma 2; plus strand). Cytogenetic location: 16p11.2.
Variant type: single nucleotide variant.
Coding change: c.113T>A on transcript NM_000294.3 (MANE Select); coding-DNA position 113, T replaced by A.
Protein change: p.Val38Asp; replaces valine 38 with aspartic acid.
Molecular consequence: missense variant.
Genome position (GRCh38, 1-based): chr16:30,751,123, T>A. VCF-style: chr16-30751123-T-A. GRCh37 (hg19) VCF-style: chr16-30762444-T-A.
Other names: c.113T>A, p.Val38Asp (NM_001172432.2); short protein forms V38D.
Identifiers: ClinVar variation 2819917 (VCV002819917.3), dbSNP rs2543456034, ClinGen allele CA395653098.